The following is an entry in ClinVar:

ClinVar aggregate classification (germline): Uncertain significance. Review status: criteria provided, single submitter (1 of 4 stars). 2 submissions from 2 submitters: Uncertain significance (1). 1 of the submissions does not count toward it. Last evaluated 2019-11-19.

Conditions:
Meckel-Gruber syndrome. Also called: DYSENCEPHALIA SPLANCHNOCYSTICA; GRUBER SYNDROME; Dysencephalia splachnocystica. Identifiers: Orphanet 564, MedGen C0265215, MONDO:0018921.
Joubert syndrome. Also called: CEREBELLOPARENCHYMAL DISORDER IV; JOUBERT-BOLTSHAUSER SYNDROME; Familial aplasia of the vermis. Identifiers: Orphanet 475, MedGen C5979921, MONDO:0018772.

gnomAD v4.1: 3 of 1,613,976 alleles (0.00019%); highest among the groups gnomAD compares: Non-Finnish European, 0.00025%; no homozygotes.

Submissions (2):

Labcorp Genetics (formerly Invitae), Labcorp
Classification: Uncertain significance for Joubert syndrome; Meckel-Gruber syndrome. Last evaluated: 2019-11-19. Review status: criteria provided, single submitter. Criteria: Invitae Variant Classification Sherloc (09022015). Collection method: clinical testing. Allele origin: germline.
Comment: In summary, the available evidence is currently insufficient to determine the role of this variant in disease. Therefore, it has been classified as a Variant of Uncertain Significance. Algorithms developed to predict the effect of missense changes on protein structure and function (SIFT, PolyPhen-2, Align-GVGD) all suggest that this variant is likely to be disruptive, but these predictions have not been confirmed by published functional studies and their clinical significance is uncertain. This variant has not been reported in the literature in individuals with RPGRIP1L-related conditions. This variant is not present in population databases (ExAC no frequency). This sequence change replaces arginine with glycine at codon 84 of the RPGRIP1L protein (p.Arg84Gly). The arginine residue is highly conserved and there is a moderate physicochemical difference between arginine and glycine.

Natera, Inc.
Classification: Uncertain significance for Joubert syndrome. Last evaluated: 2020-08-07. Review status: no assertion criteria provided. Collection method: clinical testing. Allele origin: germline. Not counted in ClinVar's aggregate classification.

NM_015272.5(RPGRIP1L):c.250C>G (p.Arg84Gly)

Gene: RPGRIP1L (RPGRIP1 like; minus strand). Cytogenetic location: 16q12.2.
Variant type: single nucleotide variant.
Coding change: c.250C>G on transcript NM_015272.5 (MANE Select); coding-DNA position 250, C replaced by G.
Protein change: p.Arg84Gly; replaces arginine 84 with glycine.
Molecular consequence: missense variant.
Genome position (GRCh38, 1-based): chr16:53,692,345, G>C on the plus strand (C>G on the coding strand, the complement: RPGRIP1L is on the minus strand). VCF-style: chr16-53692345-G-C. GRCh37 (hg19) VCF-style: chr16-53726257-G-C.
Other names: c.250C>G, p.Arg84Gly (NM_001127897.4, NM_001308334.3, NM_001330538.2); short protein forms R84G.
Identifiers: ClinVar variation 838429 (VCV000838429.11), dbSNP rs770098954, ClinGen allele CA395925213.